The following is an entry in ClinVar:

ClinVar aggregate classification (germline): Conflicting classifications of pathogenicity. Review status: criteria provided, conflicting classifications (1 of 4 stars). 2 submissions from 2 submitters: Uncertain significance (1); Likely benign (1). Last evaluated 2023-06-07.

Conditions:
Cardiovascular phenotype. Identifiers: MedGen CN230736.
LMF1-related disorder. Also called: LMF1-related condition.

Allele frequency attached by ClinVar (database versions not stated): ExAC 0.00002; gnomAD 0.00003.
gnomAD v4.1: 105 of 1,606,694 alleles (0.0065%); highest among the groups gnomAD compares: Non-Finnish European, 0.0081%; 1 homozygote.

Submissions (2):

PreventionGenetics, part of Exact Sciences
Classification: Uncertain significance for LMF1-related condition. Last evaluated: 2023-06-07. Review status: criteria provided, single submitter. Criteria: ACMG Guidelines, 2015. Collection method: clinical testing. Allele origin: germline.
Comment: The LMF1 c.1540C>T variant is predicted to result in the amino acid substitution p.Arg514Trp. To our knowledge, this variant has not been reported in the literature. This variant is reported in 0.0087% of alleles in individuals of Latino descent in gnomAD. At this time, the clinical significance of this variant is uncertain due to the absence of conclusive functional and genetic evidence.

Ambry Genetics
Classification: Likely benign for Cardiovascular phenotype. Last evaluated: 2020-04-04. Review status: criteria provided, single submitter. Criteria: Ambry Variant Classification Scheme 2023. Collection method: clinical testing. Allele origin: germline.

NM_022773.4(LMF1):c.1620C>T (p.Ile540=)

Gene: LMF1 (lipase maturation factor 1; minus strand). Cytogenetic location: 16p13.3.
Variant type: single nucleotide variant.
Coding change: c.1620C>T on transcript NM_022773.4 (MANE Select); coding-DNA position 1620, C replaced by T.
Protein change: p.Ile540=; no amino-acid change (isoleucine 540 retained).
Molecular consequence: synonymous variant. On other transcripts: missense variant (1), non-coding transcript variant (1).
Genome position (GRCh38, 1-based): chr16:854,616, G>A on the plus strand (C>T on the coding strand, the complement: LMF1 is on the minus strand). VCF-style: chr16-854616-G-A. GRCh37 (hg19) VCF-style: chr16-904616-G-A.
Other names: c.969C>T, p.Ile323= (NM_001352017.2, NM_001352021.2); c.1221C>T, p.Ile407= (NM_001352018.2); c.1293C>T, p.Ile431= (NM_001352019.2); c.1540C>T, p.Arg514Trp (NM_001352020.1); short protein forms R514W.
Identifiers: ClinVar variation 1776599 (VCV001776599.3), dbSNP rs747840267, ClinGen allele CA7796860.